The following is an entry in ClinVar:

NM_004006.3(DMD):c.2354A>G (p.Gln785Arg)

Gene: DMD (dystrophin; minus strand). Cytogenetic location: Xp21.1.
Variant type: single nucleotide variant.
Coding change: c.2354A>G on transcript NM_004006.3 (MANE Select); coding-DNA position 2354, A replaced by G.
Protein change: p.Gln785Arg; replaces glutamine 785 with arginine.
Molecular consequence: missense variant.
Genome position (GRCh38, 1-based): chrX:32,501,781, T>C on the plus strand (A>G on the coding strand, the complement: DMD is on the minus strand). VCF-style: chrX-32501781-T-C. GRCh37 (hg19) VCF-style: chrX-32519898-T-C.
Other names: c.2330A>G, p.Gln777Arg (NM_000109.4); c.2342A>G, p.Gln781Arg (NM_004009.3); c.1985A>G, p.Gln662Arg (NM_004010.3); short protein forms Q662R, Q777R, Q781R, Q785R.
Identifiers: ClinVar variation 1004244 (VCV001004244.9), dbSNP rs2044079062, ClinGen allele CA412673602.
Genomic context (GRCh38, chrX:32,501,781, plus strand): 5'-TAAGAAGATTATCTAAATCAACTCGTGTAATTACCATTCACCATCTGTTCCACCAGGGCC[T>C]GAGCTGATCTGCTGGCATCTTGCAGTTTTCTGAACTTCTCAGCTTTTTCTCGCTCTATGG-3'
Protein context (NP_003997.2, residues 775-795): RKLQDASRSA[Gln785Arg]ALVEQMVNEG

ClinVar aggregate classification (germline): Uncertain significance (1 of 4 stars; one submission).

Conditions:
Duchenne muscular dystrophy (DMD). Also called: MUSCULAR DYSTROPHY, PSEUDOHYPERTROPHIC PROGRESSIVE, DUCHENNE TYPE; Duchenne Muscular Dystrophy (DMD). Identifiers: Orphanet 98896, MedGen C0013264, MONDO:0010679, OMIM 310200.

Allele frequency attached by ClinVar (database versions not stated): gnomAD exomes below 0.00001.
gnomAD v4.1: 1 of 1,209,296 alleles (0.000083%); highest among the groups gnomAD compares: South Asian, 0.0018%; no homozygotes.

Submission:

Labcorp Genetics (formerly Invitae), Labcorp
Classification: Uncertain significance for Duchenne muscular dystrophy. Last evaluated: 2020-07-30. Review status: criteria provided, single submitter. Criteria: Invitae Variant Classification Sherloc (09022015). Collection method: clinical testing. Allele origin: germline.
Comment: Algorithms developed to predict the effect of missense changes on protein structure and function are either unavailable or do not agree on the potential impact of this missense change (SIFT: "Tolerated"; PolyPhen-2: "Possibly Damaging"; Align-GVGD: "Class C0"). In summary, the available evidence is currently insufficient to determine the role of this variant in disease. Therefore, it has been classified as a Variant of Uncertain Significance. This variant has not been reported in the literature in individuals with DMD-related conditions. This variant is not present in population databases (ExAC no frequency). This sequence change replaces glutamine with arginine at codon 785 of the DMD protein (p.Gln785Arg). The glutamine residue is moderately conserved and there is a small physicochemical difference between glutamine and arginine.